The following is an entry in ClinVar:

ClinVar aggregate classification (germline): Likely benign. Review status: criteria provided, multiple submitters, no conflicts (2 of 4 stars). 2 submissions from 2 submitters: Likely benign (2). Last evaluated 2022-12-01.

Allele frequency attached by ClinVar (database versions not stated): TOPMed below 0.00001; gnomAD 0.00001; gnomAD exomes 0.00001; ExAC 0.00002.
gnomAD v4.1: 8 of 1,613,932 alleles (0.0005%); highest among the groups gnomAD compares: East Asian, 0.011%; no homozygotes.

Submissions (2):

CeGaT Center for Human Genetics Tuebingen
Classification: Likely benign. Last evaluated: 2022-12-01. Review status: criteria provided, single submitter. Criteria: CeGaT Center For Human Genetics Tuebingen Variant Classification Criteria Version 2. Collection method: clinical testing. Allele origin: germline. Affected: yes. Observed: 1 variant allele.
Comment: TNFAIP3: BP4, BP7

Labcorp Genetics (formerly Invitae), Labcorp
Classification: Likely benign. Last evaluated: 2022-02-03. Review status: criteria provided, single submitter. Criteria: Invitae Variant Classification Sherloc (09022015). Collection method: clinical testing. Allele origin: germline.

NM_001270508.2(TNFAIP3):c.1383A>G (p.Pro461=)

Gene: TNFAIP3 (TNF alpha induced protein 3; plus strand). Cytogenetic location: 6q23.3.
Variant type: single nucleotide variant.
Coding change: c.1383A>G on transcript NM_001270508.2 (MANE Select); coding-DNA position 1383, A replaced by G.
Protein change: p.Pro461=; no amino-acid change (proline 461 retained).
Molecular consequence: synonymous variant.
Genome position (GRCh38, 1-based): chr6:137,878,828, A>G. VCF-style: chr6-137878828-A-G. GRCh37 (hg19) VCF-style: chr6-138199965-A-G.
Other names: c.1383A>G, p.Pro461= (NM_001270507.2, NM_006290.4).
Identifiers: ClinVar variation 1908881 (VCV001908881.29), dbSNP rs753955178, ClinGen allele CA4019635.